The following is an entry in ClinVar:

NM_000257.4(MYH7):c.427C>T (p.Arg143Trp)

Gene: MYH7 (myosin heavy chain 7; minus strand). Cytogenetic location: 14q11.2.
Variant type: single nucleotide variant.
Coding change: c.427C>T on transcript NM_000257.4 (MANE Select); coding-DNA position 427, C replaced by T.
Protein change: p.Arg143Trp; replaces arginine 143 with tryptophan.
Molecular consequence: missense variant.
Genome position (GRCh38, 1-based): chr14:23,432,714, G>A on the plus strand (C>T on the coding strand, the complement: MYH7 is on the minus strand). VCF-style: chr14-23432714-G-A. GRCh37 (hg19) VCF-style: chr14-23901923-G-A.
Other names: short protein forms R143W.
Identifiers: ClinVar variation 164401 (VCV000164401.56), dbSNP rs727503278, ClinGen allele CA014751.

ClinVar aggregate classification (germline): Pathogenic. Review status: reviewed by expert panel (3 of 4 stars). 21 submissions from 20 submitters: Pathogenic (1). 20 of the submissions do not count toward it. Last evaluated 2025-11-13.

Conditions:
Inborn genetic diseases. Identifiers: MedGen C0950123, MeSH D030342.
Hypertrophic cardiomyopathy 1 (CMH1). Also called: Familial hypertrophic cardiomyopathy 1; MYH7-Related Familial Hypertrophic Cardiomyopathy. Identifiers: MedGen C3495498, MONDO:0008647, OMIM 192600.
Hypertrophic cardiomyopathy. Also called: HYPERTROPHIC MYOCARDIOPATHY. Identifiers: Orphanet 217569, MedGen C0007194, MeSH D002312, MONDO:0005045, HP:0001639.
MYH7-related disorder. Also called: MYH7-related disorders; MYH7-related condition; MYH7-related disease.
Cardiovascular phenotype. Identifiers: MedGen CN230736.
Cardiomyopathy (CMYO). Also called: Cardiomyopathies. Identifiers: Orphanet 167848, MedGen C0878544, MONDO:0004994, HP:0001638. Inheritance: Various modes of inheritance.
Primary familial hypertrophic cardiomyopathy (HCM). Identifiers: Orphanet 99739, MedGen C0949658, MeSH D024741, MONDO:0024573. Inheritance: Various modes of inheritance.

Allele frequency attached by ClinVar (database versions not stated): ExAC 0.00005; gnomAD exomes 0.00001 and 0.00003.

Submissions 1 to 7 of 21:

ClinGen Cardiomyopathy Variant Curation Expert Panel
Classification: Pathogenic for Hypertrophic cardiomyopathy. Last evaluated: 2025-11-13. Review status: reviewed by expert panel. Criteria: ClinGen CMP ACMG Specifications MYH7 V2.0.0. Collection method: curation. Allele origin: germline. Inheritance: Autosomal dominant inheritance.
Comment: NM_000257.4(MYH7):c.427C>T (p.Arg143Trp) - This variant has been reported in numerous individuals with HCM, including 1 individual in which it was observed in the homozygous state (LMM data, OMGL data, PMIDs: 12820698, 12974739, 21839045, 22455086, 23711808, 24510615, 25086479, 28193612, 28771489, 30588760, 32344918) and is statistically increased in individuals with cardiomyopathy compared to controls [OR lower 95% CI >20]. This variant segregated with disease in >9 affected relatives from three families (PMID: 28771489, GeneDx pers. comm., OMGL pers. comm.). Therefore, the PS4_Strong and PP1_Strong criteria have been applied. It was also identified in 2 infants with DCM that had loss of function variants in MYH7 and both variants segregated with DCM in one affected infant sibling (Ambry pers. comm; LMM pers. comm.). This variant is present in gnomAD (v4.1.0), but did meet the threshold for PM2_Supporting. Another variant at this codon (p.Arg143Gln) has been identified in individuals with HCM and is classified as likely pathogenic by this VCEP (PM5_Supporting). Computational prediction tools suggest that this variant may impact the protein (REVEL score >0.7; PP3). In summary, this variant is classified as Pathogenic for HCM in an autosomal dominant manner based on PS4, PP1_Strong, PM2_Supporting, PM5_Supporting, and PP3.

Labcorp Genetics (formerly Invitae), Labcorp
Classification: Pathogenic for Hypertrophic cardiomyopathy. Last evaluated: 2025-12-31. Review status: criteria provided, single submitter. Criteria: Invitae Variant Classification Sherloc (09022015). Collection method: clinical testing. Allele origin: germline. Not counted in ClinVar's aggregate classification.
Comment: This sequence change replaces arginine, which is basic and polar, with tryptophan, which is neutral and slightly polar, at codon 143 of the MYH7 protein (p.Arg143Trp). This variant is present in population databases (rs727503278, gnomAD 0.01%). This missense change has been observed in individuals with hypertrophic cardiomyopathy (PMID: 12974739, 23711808, 25086479, 27532257, 28408708, 28615295, 28771489, 30588760). ClinVar contains an entry for this variant (Variation ID: 164401). Invitae Evidence Modeling of protein sequence and biophysical properties (such as structural, functional, and spatial information, amino acid conservation, physicochemical variation, residue mobility, and thermodynamic stability) indicates that this missense variant is expected to disrupt MYH7 protein function with a positive predictive value of 95%. This variant disrupts the p.Arg143 amino acid residue in MYH7. Other variant(s) that disrupt this residue have been determined to be pathogenic (PMID: 15358028, 15563892, 21252143, 22765922, 24093860). This suggests that this residue is clinically significant, and that variants that disrupt this residue are likely to be disease-causing. For these reasons, this variant has been classified as Pathogenic.

GeneDx
Classification: Likely pathogenic. Last evaluated: 2025-12-29. Review status: criteria provided, single submitter. Criteria: GeneDx Variant Classification Process June 2021. Collection method: clinical testing. Allele origin: germline. Affected: yes. Not counted in ClinVar's aggregate classification.
Comment: Observed in individuals with cardiomyopathy and/or sudden cardiac death and in unaffected relatives from three families, including one family in which the variant was identified in trans with another MYH7 variant (PMID: 30588760); In silico analysis supports that this missense variant has a deleterious effect on protein structure/function; This variant is associated with the following publications: (PMID: 17947214, 19864899, 37652022, 37340232, 33495596, 39253717, 39472908, 36243179, 38456273, 28408708, 25086479, 26914223, 27532257, 28615295, 28193612, 12974739, 23711808, 8981935, 3203908, 7909436, 17372140, 25666907, 8614836, 7883988, 20733148, 15322983, 12820698, 24093860, 15563892, 15358028, 18383048, 28771489, 22455086, 31447099, 33309763, 32894683, 32344918, 33673806, 34542152, 34598319, 24510615, 35653365, HironoK2024[Preprint], 21839045, 30588760, 36975868, 37461109, 29300372, 33495597)

North West Genomic Laboratory Hub, Manchester University NHS Foundation Trust
Classification: Likely pathogenic for Hypertrophic cardiomyopathy. Last evaluated: 2025-11-21. Review status: criteria provided, single submitter. Criteria: ACGS Best Practice Guidelines for Variant Classification in Rare Disease 2020. Collection method: clinical testing. Allele origin: germline. Affected: yes. Not counted in ClinVar's aggregate classification.
Comment: PP1_Supp PS4_Str PP3_Supp PM5_Mod

Color Diagnostics, LLC DBA Color Health
Classification: Likely pathogenic for Cardiomyopathy. Last evaluated: 2025-06-23. Review status: criteria provided, single submitter. Criteria: ACMG Guidelines, 2015. Collection method: clinical testing. Allele origin: germline. Not counted in ClinVar's aggregate classification.
Comment: This missense variant replaces arginine with tryptophan at codon 143 of the myosin head/motor (S1) domain of the MYH7 protein. Computational prediction suggests that this variant may have a deleterious impact on protein structure and function. To our knowledge, functional studies have not been reported for this variant. This variant has been reported in over 20 unrelated individuals affected with hypertrophic cardiomyopathy (PMID: 12974739, 24510615, 25086479, 26914223, 27532257, 28408708, 28193612, 30588760, 32344918, 32815737, 33495596, 33495597, 33673806, 34598319Color internal data). This variant has also been identified in a case of fetal left ventricular noncompaction (PMID: 33309763), in an individual affected with dilated cardiomyopathy (PMID: 37461109), and in an individual affected with early onset atrial fibrillation (PMID: 36975868). This variant has been identified in 7/251480 chromosomes in the general population by the Genome Aggregation Database (gnomAD). A different variant affecting the same codon, p.Arg143Gln, is considered to be disease-causing (ClinVar variation ID: 43006), suggesting that arginine at this position is important for MYH7 protein function. Based on the available evidence, this variant is classified as Likely Pathogenic.

Ambry Genetics
Classification: Likely pathogenic for Cardiovascular phenotype. Last evaluated: 2025-04-09. Review status: criteria provided, single submitter. Criteria: Ambry Variant Classification Scheme 2023. Collection method: clinical testing. Allele origin: germline. Not counted in ClinVar's aggregate classification.
Comment: The p.R143W variant (also known as c.427C>T), located in coding exon 3 of the MYH7 gene, results from a C to T substitution at nucleotide position 427. The arginine at codon 143 is replaced by tryptophan, an amino acid with dissimilar properties. This alteration has been reported multiple times in hypertrophic cardiomyopathy (HCM) cohorts (e.g., Erdmann J et al. Clin. Genet. 2003;64:339-49; Chiou KR et al. J Cardiol. 2015;65:250-6; Kapplinger JD et al. J Cardiovasc Transl Res. 2014;7:347-61; Walsh R et al. Genet. Med. 2017;19:192-203). Another variant at the same codon, p.R143Q (c.428G>A), has also been detected in individuals with HCM (Song L et al. Clin. Chim. Acta. 2005;351:209-16). This amino acid position is highly conserved in available vertebrate species. In addition, this alteration is predicted to be deleterious by in silico analysis. Based on the majority of available evidence to date, this variant is likely to be pathogenic.

Clinical Genetics Laboratory, Skane University Hospital Lund
Classification: Pathogenic for Cardiomyopathy. Last evaluated: 2025-03-14. Review status: criteria provided, single submitter. Criteria: ACMG Guidelines, 2015. Collection method: clinical testing. Allele origin: germline. Affected: yes. Not counted in ClinVar's aggregate classification.
Comment: ACMG criteria used: PS4, PM2, PP1_Strong, PP3